The following is an entry in ClinVar:

ClinVar aggregate classification (germline): Likely benign (1 of 4 stars; one submission).

Conditions:
HTR2C-related disorder. Also called: HTR2C-related condition.

gnomAD v4.1: 1 of 1,208,284 alleles (0.000083%); highest among the groups gnomAD compares: Admixed American, 0.0022%; no homozygotes.

Submission:

PreventionGenetics, part of Exact Sciences
Classification: Likely benign for HTR2C-related condition. Last evaluated: 2025-01-25. Review status: criteria provided, single submitter. Criteria: ACMG Guidelines, 2015. Collection method: clinical testing. Allele origin: germline.
Comment: This variant is classified as likely benign based on ACMG/AMP sequence variant interpretation guidelines (Richards et al. 2015 PMID: 25741868, with internal and published modifications).

NM_000868.4(HTR2C):c.381C>T (p.Cys127=)

Gene: HTR2C (5-hydroxytryptamine receptor 2C; plus strand). Cytogenetic location: Xq23.
Variant type: single nucleotide variant.
Coding change: c.381C>T on transcript NM_000868.4 (MANE Select); coding-DNA position 381, C replaced by T.
Protein change: p.Cys127=; no amino-acid change (cysteine 127 retained).
Molecular consequence: synonymous variant.
Genome position (GRCh38, 1-based): chrX:114,848,034, C>T. VCF-style: chrX-114848034-C-T. GRCh37 (hg19) VCF-style: chrX-114082597-C-T.
Other names: c.381C>T, p.Cys127= (NM_001256760.3, NM_001256761.3).
Identifiers: ClinVar variation 4983871 (VCV004983871.1).